The following is an entry in ClinVar:

ClinVar aggregate classification (germline): Likely benign (0 of 4 stars; one submission).

Conditions:
TBX2-related disorder. Also called: TBX2-related condition.

gnomAD v4.1: 7 of 1,118,896 alleles (0.00063%); highest among the groups gnomAD compares: Non-Finnish European, 0.00065%; no homozygotes.

Submission:

PreventionGenetics, part of Exact Sciences
Classification: Likely benign for TBX2-related condition. Last evaluated: 2023-04-19. Review status: no assertion criteria provided. Collection method: clinical testing. Allele origin: germline.
Comment: This variant is classified as likely benign based on ACMG/AMP sequence variant interpretation guidelines (Richards et al. 2015 PMID: 25741868, with internal and published modifications).

NM_005994.4(TBX2):c.201G>T (p.Ala67=)

Gene: TBX2 (T-box transcription factor 2; plus strand). Cytogenetic location: 17q23.2.
Variant type: single nucleotide variant.
Coding change: c.201G>T on transcript NM_005994.4 (MANE Select); coding-DNA position 201, G replaced by T.
Protein change: p.Ala67=; no amino-acid change (alanine 67 retained).
Molecular consequence: synonymous variant.
Genome position (GRCh38, 1-based): chr17:61,400,377, G>T. VCF-style: chr17-61400377-G-T. GRCh37 (hg19) VCF-style: chr17-59477738-G-T.
Identifiers: ClinVar variation 3029110 (VCV003029110.2), dbSNP rs1569014233, ClinGen allele CA501147399.